The following is an entry in ClinVar:

NM_001035.3(RYR2):c.12430C>T (p.Arg4144Cys)

Genes: RYR2 (ryanodine receptor 2; plus strand), LOC126806068 (BRD4-independent group 4 enhancer GRCh37_chr1:237947411-237948610; plus strand). Cytogenetic location: 1q43.
Variant type: single nucleotide variant.
Coding change: c.12430C>T on transcript NM_001035.3 (MANE Select); coding-DNA position 12430, C replaced by T.
Protein change: p.Arg4144Cys; replaces arginine 4144 with cysteine.
Molecular consequence: missense variant.
Genome position (GRCh38, 1-based): chr1:237,784,142, C>T. VCF-style: chr1-237784142-C-T. GRCh37 (hg19) VCF-style: chr1-237947442-C-T.
Other names: c.12430C>T, p.Arg4144Cys (LRG_402t1); short protein forms R4144C.
Identifiers: ClinVar variation 626628 (VCV000626628.8), dbSNP rs1298823746, ClinGen allele CA345413230.

ClinVar aggregate classification (germline): Uncertain significance. Review status: criteria provided, multiple submitters, no conflicts (2 of 4 stars). 3 submissions from 3 submitters: Uncertain significance (3). Last evaluated 2022-06-18.

Conditions:
Catecholaminergic polymorphic ventricular tachycardia 1. Also called: RYR2-Related Catecholaminergic Polymorphic Ventricular Tachycardia; VENTRICULAR TACHYCARDIA, CATECHOLAMINERGIC POLYMORPHIC, 1, WITH OR WITHOUT ATRIAL DYSFUNCTION AND/OR DILATED CARDIOMYOPATHY; VENTRICULAR TACHYCARDIA, STRESS-INDUCED POLYMORPHIC 1. Identifiers: Orphanet 3286, MedGen C1631597, MONDO:0011484, OMIM 604772.
Arrhythmogenic right ventricular dysplasia 2. Identifiers: MedGen C1832931.
Ventricular arrhythmias due to cardiac ryanodine receptor calcium release deficiency syndrome. Also called: Autosomal dominant cardiac arrhythmia (Kuhn). Identifiers: MedGen C5542154, MONDO:0020745, OMIM 115000.
Cardiomyopathy (CMYO). Also called: Cardiomyopathies. Identifiers: Orphanet 167848, MedGen C0878544, MONDO:0004994, HP:0001638. Inheritance: Various modes of inheritance.

Submissions (3):

Labcorp Genetics (formerly Invitae), Labcorp
Classification: Uncertain significance for Catecholaminergic polymorphic ventricular tachycardia 1. Last evaluated: 2022-06-18. Review status: criteria provided, single submitter. Criteria: Invitae Variant Classification Sherloc (09022015). Collection method: clinical testing. Allele origin: germline.
Comment: ClinVar contains an entry for this variant (Variation ID: 626628). This missense change has been observed in individual(s) with clinical features of RYR2-related conditions (PMID: 18752142). Advanced modeling of protein sequence and biophysical properties (such as structural, functional, and spatial information, amino acid conservation, physicochemical variation, residue mobility, and thermodynamic stability) performed at Invitae indicates that this missense variant is expected to disrupt RYR2 protein function. In summary, the available evidence is currently insufficient to determine the role of this variant in disease. Therefore, it has been classified as a Variant of Uncertain Significance. This sequence change replaces arginine, which is basic and polar, with cysteine, which is neutral and slightly polar, at codon 4144 of the RYR2 protein (p.Arg4144Cys). This variant is not present in population databases (gnomAD no frequency).

Fulgent Genetics
Classification: Uncertain significance for Ventricular arrhythmias due to cardiac ryanodine receptor calcium release deficiency syndrome; Catecholaminergic polymorphic ventricular tachycardia 1. Last evaluated: 2022-02-23. Review status: criteria provided, single submitter. Criteria: ACMG Guidelines, 2015. Collection method: clinical testing. Allele origin: unknown.

CHEO Genetics Diagnostic Laboratory, Children's Hospital of Eastern Ontario
Classification: Uncertain significance for Cardiomyopathy. Last evaluated: 2015-11-19. Review status: criteria provided, single submitter. Criteria: ACMG Guidelines, 2015. Collection method: clinical testing. Allele origin: germline. Study: Canadian Open Genetics Repository.

Literature cited by the submitters: PubMed 18752142 (cited by Labcorp Genetics (formerly Invitae), Labcorp).